The following is an entry in ClinVar:

NC_000015.9:g.(?_44864989)_(44988554_?)del

Genes: PATL2 (PAT1 homolog 2; minus strand), SPG11 (SPG11 vesicle trafficking associated, spatacsin; minus strand). Cytogenetic location: 15q21.1.
Variant type: Deletion.
Identifiers: ClinVar variation 1459028 (VCV001459028.5).

ClinVar aggregate classification (germline): Pathogenic (1 of 4 stars; one submission).

Conditions:
Hereditary spastic paraplegia 11. Also called: Spastic Paraplegia 11; Nakamura Osame syndrome; Autosomal recessive hereditary spastic paraplegia, mental impairment, and thin corpus callosum; SPASTIC PARAPLEGIA, AUTOSOMAL RECESSIVE, COMPLICATED, WITH THIN CORPUS CALLOSUM; SPASTIC PARAPLEGIA, AUTOSOMAL RECESSIVE, WITH MENTAL IMPAIRMENT AND THIN CORPUS CALLOSUM; Spastic paraplegia, mental retardation and thin corpus callosum. Identifiers: Orphanet 2822, MedGen C1858479, MONDO:0011445, OMIM 604360.

Submission:

Labcorp Genetics (formerly Invitae), Labcorp
Classification: Pathogenic for Hereditary spastic paraplegia 11. Last evaluated: 2022-06-13. Review status: criteria provided, single submitter. Criteria: Invitae Variant Classification Sherloc (09022015). Collection method: clinical testing. Allele origin: germline.
Comment: For these reasons, this variant has been classified as Pathogenic. This variant has not been reported in the literature in individuals affected with SPG11-related conditions. This variant is a gross deletion of the genomic region encompassing exon(s) 1-33 of the SPG11 gene, which includes the initiator codon. This deletion extends beyond the assayed region for this gene and therefore may encompass additional genes. It is expected to result in an absent or disrupted protein product. Loss-of-function variants in SPG11 are known to be pathogenic (PMID: 19105190, 20110243, 22154821, 26556829).

Literature cited by the submitters: PubMed 19105190; PubMed 20110243; PubMed 22154821; PubMed 26556829.